The following is an entry in ClinVar:

NM_001038603.3(MARVELD2):c.1491G>A (p.Ser497=)

Gene: MARVELD2 (MARVEL domain containing 2; plus strand). Cytogenetic location: 5q13.2.
Variant type: single nucleotide variant.
Coding change: c.1491G>A on transcript NM_001038603.3 (MANE Select); coding-DNA position 1491, G replaced by A.
Protein change: p.Ser497=; no amino-acid change (serine 497 retained).
Molecular consequence: synonymous variant.
Genome position (GRCh38, 1-based): chr5:69,433,081, G>A. VCF-style: chr5-69433081-G-A. GRCh37 (hg19) VCF-style: chr5-68728908-G-A.
Other names: c.1455G>A, p.Ser485= (NM_001244734.2).
Identifiers: ClinVar variation 354095 (VCV000354095.6), dbSNP rs149176039, ClinGen allele CA3294270.

ClinVar aggregate classification (germline): Conflicting classifications of pathogenicity. Review status: criteria provided, conflicting classifications (1 of 4 stars). 2 submissions from 2 submitters: Uncertain significance (1); Likely benign (1). Last evaluated 2025-11-01.

Conditions:
MARVELD2-related disorder. Also called: MARVELD2-related condition.
Autosomal recessive nonsyndromic hearing loss 49. Also called: Deafness, neurosensory, autosomal recessive 49. Identifiers: Orphanet 90636, MedGen C1857811, MONDO:0012420, OMIM 610153.

Allele frequency attached by ClinVar (database versions not stated): ExAC 0.00002; gnomAD 0.00003; TOPMed 0.00003; ESP Exome Variant Server 0.00015.

Submissions (2):

PreventionGenetics, part of Exact Sciences
Classification: Likely benign for MARVELD2-related condition. Last evaluated: 2025-11-01. Review status: criteria provided, single submitter. Criteria: ACMG Guidelines, 2015. Collection method: clinical testing. Allele origin: germline.
Comment: This variant is classified as likely benign based on ACMG/AMP sequence variant interpretation guidelines (Richards et al. 2015 PMID: 25741868, with internal and published modifications).

Illumina Laboratory Services, Illumina
Classification: Uncertain significance for Autosomal recessive nonsyndromic hearing loss 49. Last evaluated: 2018-01-13. Review status: criteria provided, single submitter. Criteria: ICSL Variant Classification Criteria 13 December 2019. Collection method: clinical testing. Allele origin: germline.